The following is an entry in ClinVar:

ClinVar aggregate classification (germline): Uncertain significance. Review status: criteria provided, multiple submitters, no conflicts (2 of 4 stars). 2 submissions from 2 submitters: Uncertain significance (2). Last evaluated 2026-06-12.

Conditions:
NEK8-related disorder. Also called: NEK8-related condition.
Nephronophthisis 9 (NPHP9). Identifiers: Orphanet 655, MedGen C3151188, MONDO:0013444, OMIM 613824.

Allele frequency attached by ClinVar (database versions not stated): gnomAD exomes 0.00001; TOPMed 0.00002; gnomAD 0.00003.
gnomAD v4.1: 23 of 1,613,692 alleles (0.0014%); highest among the groups gnomAD compares: African/African-American, 0.004%; no homozygotes.

Submissions (2):

PreventionGenetics, part of Exact Sciences
Classification: Uncertain significance for NEK8-related condition. Last evaluated: 2026-06-12. Review status: criteria provided, single submitter. Criteria: ACMG Guidelines, 2015. Collection method: clinical testing. Allele origin: germline.
Comment: The NEK8 c.328G>A variant is predicted to result in the amino acid substitution p.Val110Met. To our knowledge, this variant has not been reported in the literature. This variant is reported in 0.00088% of alleles in individuals of European (Non-Finnish) descent in gnomAD. At this time, the clinical significance of this variant is uncertain due to the absence of conclusive functional and genetic evidence.

Labcorp Genetics (formerly Invitae), Labcorp
Classification: Uncertain significance for Nephronophthisis 9. Last evaluated: 2022-11-15. Review status: criteria provided, single submitter. Criteria: Invitae Variant Classification Sherloc (09022015). Collection method: clinical testing. Allele origin: germline.
Comment: This sequence change replaces valine, which is neutral and non-polar, with methionine, which is neutral and non-polar, at codon 110 of the NEK8 protein (p.Val110Met). In summary, the available evidence is currently insufficient to determine the role of this variant in disease. Therefore, it has been classified as a Variant of Uncertain Significance. Algorithms developed to predict the effect of missense changes on protein structure and function are either unavailable or do not agree on the potential impact of this missense change (SIFT: "Deleterious"; PolyPhen-2: "Possibly Damaging"; Align-GVGD: "Class C15"). This variant has not been reported in the literature in individuals affected with NEK8-related conditions. This variant is not present in population databases (gnomAD no frequency).

NM_178170.3(NEK8):c.328G>A (p.Val110Met)

Gene: NEK8 (NIMA related kinase 8; plus strand). Cytogenetic location: 17q11.2.
Variant type: single nucleotide variant.
Coding change: c.328G>A on transcript NM_178170.3 (MANE Select); coding-DNA position 328, G replaced by A.
Protein change: p.Val110Met; replaces valine 110 with methionine.
Molecular consequence: missense variant.
Genome position (GRCh38, 1-based): chr17:28,734,846, G>A. VCF-style: chr17-28734846-G-A. GRCh37 (hg19) VCF-style: chr17-27061864-G-A.
Other names: c.328G>A (NM_178170.2); short protein forms V110M.
Identifiers: ClinVar variation 2083079 (VCV002083079.5), dbSNP rs886566274, ClinGen allele CA289148588.